The following is an entry in ClinVar:

NM_001354604.2(MITF):c.1515del (p.Gly506fs)

Gene: MITF (melanocyte inducing transcription factor; plus strand). Cytogenetic location: 3p13.
Variant type: Deletion.
Coding change: c.1515del on transcript NM_001354604.2 (MANE Select); coding-DNA position 1515, one base deleted (C; older notation c.1515delC).
Protein change: p.Gly506fs; shifts the reading frame from glycine 506.
Molecular consequence: frameshift variant.
Genome position (GRCh38, 1-based): chr3:69,965,182, C deleted; the last of 5 consecutive C bases (chr3:69,965,178-69,965,182); deleting any one gives the same sequence. VCF-style (leftmost placement, unchanged base first): chr3-69965177-TC-T. GRCh37 (hg19) VCF-style: chr3-70014328-TC-T.
Other names: c.1194del, p.Gly399fs (NM_000248.4); c.1341del, p.Gly448fs (NM_001184967.2, NM_001354608.2); c.1512del, p.Gly505fs (NM_001354605.2); c.1494del, p.Gly499fs (NM_001354606.2, NM_006722.3); c.1446del, p.Gly483fs (NM_001354607.2); c.1176del, p.Gly393fs (NM_198158.3); c.1497del, p.Gly500fs (NM_198159.3); c.1449del, p.Gly484fs (NM_198177.3); and 1 more; short protein forms G399fs, G448fs, G483fs, G393fs, G506fs, G337fs, G484fs, G505fs.
Identifiers: ClinVar variation 4784129 (VCV004784129.1).

ClinVar aggregate classification (germline): Uncertain significance (1 of 4 stars; one submission).

Conditions:
Tietz syndrome (TADS). Also called: ALBINISM-DEAFNESS OF TIETZ; HYPOPIGMENTATION/DEAFNESS OF TIETZ; TIETZ ALBINISM-DEAFNESS SYNDROME. Identifiers: Orphanet 42665, MedGen C0391816, MONDO:0007077, OMIM 103500.
Waardenburg syndrome type 2A (WS2A). Also called: WAARDENBURG SYNDROME WITHOUT DYSTOPIA CANTHORUM. Identifiers: Orphanet 3440, MedGen C1860339, MONDO:0008671, OMIM 193510.
Melanoma, cutaneous malignant, susceptibility to, 8. Also called: MELANOMA AND RENAL CELL CARCINOMA, SUSCEPTIBILITY TO; Cutaneous malignant melanoma 8. Identifiers: Orphanet 293822, MedGen C3152204, MONDO:0013759, OMIM 614456.

Submission:

Labcorp Genetics (formerly Invitae), Labcorp
Classification: Uncertain significance for Melanoma, cutaneous malignant, susceptibility to, 8; Waardenburg syndrome type 2A; Tietz syndrome. Last evaluated: 2025-02-18. Review status: criteria provided, single submitter. Criteria: Invitae Variant Classification Sherloc (09022015). Collection method: clinical testing. Allele origin: germline.
Comment: This sequence change creates a premature translational stop signal (p.Gly399Glufs*12) in the MITF gene. While this is not anticipated to result in nonsense mediated decay, it is expected to disrupt the last 21 amino acid(s) of the MITF protein. This variant is not present in population databases (gnomAD no frequency). This variant has not been reported in the literature in individuals affected with MITF-related conditions. Experimental studies and prediction algorithms are not available or were not evaluated, and the functional significance of this variant is currently unknown. In summary, the available evidence is currently insufficient to determine the role of this variant in disease. Therefore, it has been classified as a Variant of Uncertain Significance.